The following is an entry in ClinVar:

ClinVar aggregate classification (germline): Pathogenic. Review status: criteria provided, multiple submitters, no conflicts (2 of 4 stars). 3 submissions from 3 submitters: Pathogenic (3). Last evaluated 2024-02-15.

Conditions:
Night blindness, congenital stationary, type1i. Also called: NIGHT BLINDNESS, CONGENITAL STATIONARY, TYPE 1I. Identifiers: MedGen C5231408, MONDO:0032811, OMIM 618555.
Cone-rod dystrophy 6 (CORD6). Also called: RETINAL CONE DYSTROPHY 2; Cone dystrophy progressive. Identifiers: Orphanet 1872, MedGen C1866293, MONDO:0011143, OMIM 601777.
Choroidal dystrophy, central areolar, 1. Identifiers: Orphanet 75377, MedGen C4551884, MONDO:0024539, OMIM 215500.
Leber congenital amaurosis 1 (LCA1). Also called: RETINAL BLINDNESS, CONGENITAL; AMAUROSIS CONGENITA OF LEBER I; Congenital absence of the rods and cones; Leber's congenital tapetoretinal degeneration; Leber's congenital tapetoretinal dysplasia. Identifiers: Orphanet 65, MedGen C2931258, MONDO:0008764, OMIM 204000.

Submissions (3):

Fulgent Genetics
Classification: Pathogenic for Leber congenital amaurosis 1; Choroidal dystrophy, central areolar, 1; Cone-rod dystrophy 6; Night blindness, congenital stationary, type1i. Last evaluated: 2024-02-15. Review status: criteria provided, single submitter. Criteria: ACMG Guidelines, 2015. Collection method: clinical testing. Allele origin: germline.

Labcorp Genetics (formerly Invitae), Labcorp
Classification: Pathogenic for Leber congenital amaurosis 1; Cone-rod dystrophy 6. Last evaluated: 2020-03-17. Review status: criteria provided, single submitter. Criteria: Invitae Variant Classification Sherloc (09022015). Collection method: clinical testing. Allele origin: germline.
Comment: For these reasons, this variant has been classified as Pathogenic. Loss-of-function variants in GUCY2D are known to be pathogenic (PMID: 10951519, 11328726). This variant has been observed in individual(s) with autosomal recessive Leber congenital amaurosis (PMID: 23661368). This variant is not present in population databases (ExAC no frequency). This sequence change creates a premature translational stop signal (p.Gln826*) in the GUCY2D gene. It is expected to result in an absent or disrupted protein product.

Juno Genomics, Hangzhou Juno Genomics, Inc
Classification: Pathogenic for Choroidal dystrophy, central areolar, 1; Cone-rod dystrophy 6; Leber congenital amaurosis 1; Night blindness, congenital stationary, type1i. Review status: criteria provided, single submitter. Criteria: ACMG Guidelines, 2015. Collection method: clinical testing. Allele origin: germline.
Comment: Absent from controls (or at extremely low frequency if recessive) in Genome Aggregation Database.;Null variant in a gene where loss of function (LOF) is a known mechanism of disease.;For recessive disorders, detected in trans with a pathogenic variant.

Literature cited by the submitters: PubMed 10951519 (cited by Labcorp Genetics (formerly Invitae), Labcorp); PubMed 11328726 (cited by Labcorp Genetics (formerly Invitae), Labcorp); PubMed 23661368 (cited by Labcorp Genetics (formerly Invitae), Labcorp).

NM_000180.4(GUCY2D):c.2476C>T (p.Gln826Ter)

Gene: GUCY2D (guanylate cyclase 2D, retinal; plus strand). Cytogenetic location: 17p13.1.
Variant type: single nucleotide variant.
Coding change: c.2476C>T on transcript NM_000180.4 (MANE Select); coding-DNA position 2476, C replaced by T.
Protein change: p.Gln826Ter; replaces glutamine 826 with a stop codon.
Molecular consequence: nonsense.
Genome position (GRCh38, 1-based): chr17:8,014,664, C>T. VCF-style: chr17-8014664-C-T. GRCh37 (hg19) VCF-style: chr17-7917982-C-T.
Other names: short protein forms Q826*.
Identifiers: ClinVar variation 1070769 (VCV001070769.12), dbSNP rs1338490917, ClinGen allele CA397953521.